The following is an entry in ClinVar:

NM_198576.4(AGRN):c.5852G>A (p.Arg1951His)

Gene: AGRN (agrin; plus strand). Cytogenetic location: 1p36.33.
Variant type: single nucleotide variant.
Coding change: c.5852G>A on transcript NM_198576.4 (MANE Select); coding-DNA position 5852, G replaced by A.
Protein change: p.Arg1951His; replaces arginine 1951 with histidine.
Molecular consequence: missense variant.
Genome position (GRCh38, 1-based): chr1:1,053,953, G>A. VCF-style: chr1-1053953-G-A. GRCh37 (hg19) VCF-style: chr1-989333-G-A.
Other names: c.5921G>A, p.Arg1974His (NM_001305275.2); c.5549G>A, p.Arg1850His (NM_001364727.2); c.5852G>A (NM_198576.3); short protein forms R1951H, R1850H, R1974H.
Identifiers: ClinVar variation 1411353 (VCV001411353.9), dbSNP rs141914965, ClinGen allele CA510247.

ClinVar aggregate classification (germline): Uncertain significance. Review status: criteria provided, multiple submitters, no conflicts (2 of 4 stars). 2 submissions from 2 submitters: Uncertain significance (2). Last evaluated 2024-03-27.

Conditions:
Inborn genetic diseases. Identifiers: MedGen C0950123, MeSH D030342.
Congenital myasthenic syndrome 8. Also called: MYASTHENIC SYNDROME, CONGENITAL, DUE TO AGRIN DEFICIENCY; Myasthenic syndrome, congenital, 8, with pre- and postsynaptic defects. Identifiers: Orphanet 590, MedGen C3808739, MONDO:0014052, OMIM 615120.

Allele frequency attached by ClinVar (database versions not stated): gnomAD exomes 0.00002; ExAC 0.00004; ESP Exome Variant Server 0.00008; 1000 Genomes Project 30x 0.00016; 1000 Genomes Project 0.00020.
gnomAD v4.1: 25 of 1,602,542 alleles (0.0016%); highest among the groups gnomAD compares: East Asian, 0.0045%; no homozygotes.

Submissions (2):

Ambry Genetics
Classification: Uncertain significance for Inborn genetic diseases. Last evaluated: 2024-03-27. Review status: criteria provided, single submitter. Criteria: Ambry Variant Classification Scheme 2023. Collection method: clinical testing. Allele origin: germline.

Labcorp Genetics (formerly Invitae), Labcorp
Classification: Uncertain significance for Congenital myasthenic syndrome 8. Last evaluated: 2022-08-12. Review status: criteria provided, single submitter. Criteria: Invitae Variant Classification Sherloc (09022015). Collection method: clinical testing. Allele origin: germline.
Comment: This sequence change replaces arginine, which is basic and polar, with histidine, which is basic and polar, at codon 1951 of the AGRN protein (p.Arg1951His). The frequency data for this variant in the population databases is considered unreliable, as metrics indicate poor data quality at this position in the gnomAD database. This variant has not been reported in the literature in individuals affected with AGRN-related conditions. ClinVar contains an entry for this variant (Variation ID: 1411353). Algorithms developed to predict the effect of missense changes on protein structure and function output the following: SIFT: "Tolerated"; PolyPhen-2: "Benign"; Align-GVGD: "Class C0". The histidine amino acid residue is found in multiple mammalian species, which suggests that this missense change does not adversely affect protein function. In summary, the available evidence is currently insufficient to determine the role of this variant in disease. Therefore, it has been classified as a Variant of Uncertain Significance.